The following is an entry in ClinVar:

NM_001458.5(FLNC):c.2515G>A (p.Gly839Ser)

Gene: FLNC (filamin C; plus strand). Cytogenetic location: 7q32.1.
Variant type: single nucleotide variant.
Coding change: c.2515G>A on transcript NM_001458.5 (MANE Select); coding-DNA position 2515, G replaced by A.
Protein change: p.Gly839Ser; replaces glycine 839 with serine.
Molecular consequence: missense variant.
Genome position (GRCh38, 1-based): chr7:128,842,919, G>A. VCF-style: chr7-128842919-G-A. GRCh37 (hg19) VCF-style: chr7-128482973-G-A.
Other names: c.2515G>A, p.Gly839Ser (NM_001127487.2); short protein forms G839S.
Identifiers: ClinVar variation 3515932 (VCV003515932.1).

ClinVar aggregate classification (germline): Uncertain significance (1 of 4 stars; one submission).

Conditions:
Cardiovascular phenotype. Identifiers: MedGen CN230736.

gnomAD v4.1: 5 of 1,614,044 alleles (0.00031%); highest among the groups gnomAD compares: South Asian, 0.0033%; 1 homozygote.

Submission:

Ambry Genetics
Classification: Uncertain significance for Cardiovascular phenotype. Last evaluated: 2024-07-04. Review status: criteria provided, single submitter. Criteria: Ambry Variant Classification Scheme 2023. Collection method: clinical testing. Allele origin: germline.
Comment: The p.G839S variant (also known as c.2515G>A), located in coding exon 16 of the FLNC gene, results from a G to A substitution at nucleotide position 2515. The glycine at codon 839 is replaced by serine, an amino acid with similar properties. This amino acid position is conserved. In addition, this alteration is predicted to be deleterious by in silico analysis. Based on the available evidence, the clinical significance of this variant remains unclear.